The following is an entry in ClinVar:

ClinVar aggregate classification (germline): Uncertain significance (1 of 4 stars; one submission).

gnomAD v4.1: 3 of 1,613,980 alleles (0.00019%); highest among the groups gnomAD compares: Non-Finnish European, 0.000085%; no homozygotes.

Submission:

GeneDx
Classification: Uncertain significance. Last evaluated: 2024-01-18. Review status: criteria provided, single submitter. Criteria: GeneDx Variant Classification Process June 2021. Collection method: clinical testing. Allele origin: germline. Affected: yes.
Comment: Not observed at significant frequency in large population cohorts (gnomAD); In silico analysis supports that this missense variant does not alter protein structure/function; Has not been previously published as pathogenic or benign to our knowledge; This variant is associated with the following publications: (PMID: 28545555)

NM_152703.5(SAMD9L):c.1351A>G (p.Met451Val)

Gene: SAMD9L (sterile alpha motif domain containing 9 like; minus strand). Cytogenetic location: 7q21.2.
Variant type: single nucleotide variant.
Coding change: c.1351A>G on transcript NM_152703.5 (MANE Select); coding-DNA position 1351, A replaced by G.
Protein change: p.Met451Val; replaces methionine 451 with valine.
Molecular consequence: missense variant.
Genome position (GRCh38, 1-based): chr7:93,134,621, T>C on the plus strand (A>G on the coding strand, the complement: SAMD9L is on the minus strand). VCF-style: chr7-93134621-T-C. GRCh37 (hg19) VCF-style: chr7-92763934-T-C.
Other names: c.1351A>G, p.Met451Val (NM_001303496.3, NM_001303497.3, NM_001303498.3 and 5 more transcripts); short protein forms M451V.
Identifiers: ClinVar variation 3368102 (VCV003368102.1).